The following is an entry in ClinVar:

NM_001909.5(CTSD):c.241G>T (p.Gly81Trp)

Gene: CTSD (cathepsin D; minus strand). Cytogenetic location: 11p15.5.
Variant type: single nucleotide variant.
Coding change: c.241G>T on transcript NM_001909.5 (MANE Select); coding-DNA position 241, G replaced by T.
Protein change: p.Gly81Trp; replaces glycine 81 with tryptophan.
Molecular consequence: missense variant.
Genome position (GRCh38, 1-based): chr11:1,759,627, C>A on the plus strand (G>T on the coding strand, the complement: CTSD is on the minus strand). VCF-style: chr11-1759627-C-A. GRCh37 (hg19) VCF-style: chr11-1780857-C-A.
Other names: short protein forms G81W.
Identifiers: ClinVar variation 235670 (VCV000235670.3), dbSNP rs199551387, ClinGen allele CA10581394.

ClinVar aggregate classification (germline): Uncertain significance (1 of 4 stars; one submission).

Submission:

Center for Pediatric Genomic Medicine, Children's Mercy Hospital and Clinics
Classification: Uncertain significance. Last evaluated: 2016-02-02. Review status: criteria provided, single submitter. Criteria: ACMG Guidelines, 2015. Collection method: clinical testing. Allele origin: germline.
ClinVar note: Converted during submission from Uncertain Significance to Uncertain significance.